The following is an entry in ClinVar:

ClinVar aggregate classification (germline): Uncertain significance (1 of 4 stars; one submission).

Conditions:
Norman-Roberts syndrome (LIS2). Also called: Lissencephaly 2 (Norman-Roberts type). Identifiers: Orphanet 89844, MedGen C0796089, MONDO:0009760, OMIM 257320.
Familial temporal lobe epilepsy 7. Identifiers: Orphanet 101046, MedGen C4225327, MONDO:0014639, OMIM 616436.

Allele frequency attached by ClinVar (database versions not stated): gnomAD exomes below 0.00001; gnomAD 0.00001.
gnomAD v4.1: 2 of 1,613,904 alleles (0.00012%); highest among the groups gnomAD compares: African/African-American, 0.0013%; no homozygotes.

Submission:

Labcorp Genetics (formerly Invitae), Labcorp
Classification: Uncertain significance for Familial temporal lobe epilepsy 7; Norman-Roberts syndrome. Last evaluated: 2022-07-19. Review status: criteria provided, single submitter. Criteria: Invitae Variant Classification Sherloc (09022015). Collection method: clinical testing. Allele origin: germline.
Comment: In summary, the available evidence is currently insufficient to determine the role of this variant in disease. Therefore, it has been classified as a Variant of Uncertain Significance. Algorithms developed to predict the effect of sequence changes on RNA splicing suggest that this variant may disrupt the consensus splice site. Algorithms developed to predict the effect of missense changes on protein structure and function (SIFT, PolyPhen-2, Align-GVGD) all suggest that this variant is likely to be tolerated. This variant has not been reported in the literature in individuals affected with RELN-related conditions. This variant is not present in population databases (gnomAD no frequency). This sequence change replaces methionine, which is neutral and non-polar, with isoleucine, which is neutral and non-polar, at codon 3119 of the RELN protein (p.Met3119Ile).

NM_005045.4(RELN):c.9357G>A (p.Met3119Ile)

Genes: RELN (reelin; minus strand), SLC26A5-AS1 (SLC26A5 antisense RNA 1; plus strand). Cytogenetic location: 7q22.1.
Variant type: single nucleotide variant.
Coding change: c.9357G>A on transcript NM_005045.4 (MANE Select); coding-DNA position 9357, G replaced by A.
Protein change: p.Met3119Ile; replaces methionine 3119 with isoleucine.
Molecular consequence: missense variant.
Genome position (GRCh38, 1-based): chr7:103,495,735, C>T on the plus strand (G>A on the coding strand, the complement: RELN is on the minus strand). VCF-style: chr7-103495735-C-T. GRCh37 (hg19) VCF-style: chr7-103136182-C-T.
Other names: c.9357G>A, p.Met3119Ile (NM_173054.3); short protein forms M3119I.
Identifiers: ClinVar variation 2094748 (VCV002094748.4), dbSNP rs1828820583, ClinGen allele CA368748726.
Genomic context (GRCh38, chr7:103,495,735, plus strand): 5'-CCCCAAATGCAATGCTACTTTCTGTTTTAAAGAGCCACTTTTCCTTACTTTAAACTGCAT[C>T]ATGTATCCTGGCTGTATAATGAGTTCTCGGGAGGAGAGAGCATTGTGAGTCTTGTCCTTC-3'
Protein context (NP_005036.2, residues 3109-3129): SRELIIQPGY[Met3119Ile]MQFKIVVGCE